The following is an entry in ClinVar:

ClinVar aggregate classification (germline): Uncertain significance (1 of 4 stars; one submission).

Conditions:
Pitt-Hopkins syndrome (PTHS). Also called: ENCEPHALOPATHY, SEVERE EPILEPTIC, WITH AUTONOMIC DYSFUNCTION; MENTAL RETARDATION, SYNDROMAL, WITH INTERMITTENT HYPERVENTILATION. Identifiers: Orphanet 2896, MedGen C1970431, MONDO:0012589, OMIM 610954.

Submission:

Labcorp Genetics (formerly Invitae), Labcorp
Classification: Uncertain significance for Pitt-Hopkins syndrome. Last evaluated: 2016-11-08. Review status: criteria provided, single submitter. Criteria: Invitae Variant Classification Sherloc (09022015). Collection method: clinical testing. Allele origin: germline.
Comment: In summary, this variant is a novel missense change with uncertain impact on protein function. It has been classified as a Variant of Uncertain Significance. This sequence change replaces leucine with isoleucine at codon 611 of the TCF4 protein (p.Leu611Ile). The leucine residue is highly conserved and there is a small physicochemical difference between leucine and isoleucine. This variant is not present in population databases (ExAC no frequency) and has not been reported in the literature in individuals with a TCF4-related disease. Algorithms developed to predict the effect of missense changes on protein structure and function do not agree on the potential impact of this missense change (SIFT: "Deleterious"; PolyPhen-2: "Probably Damaging"; Align-GVGD: "Class C0").

NM_001083962.2(TCF4):c.1831C>A (p.Leu611Ile)

Gene: TCF4 (transcription factor 4; minus strand). Cytogenetic location: 18q21.2.
Variant type: single nucleotide variant.
Coding change: c.1831C>A on transcript NM_001083962.2 (MANE Select); coding-DNA position 1831, C replaced by A.
Protein change: p.Leu611Ile; replaces leucine 611 with isoleucine.
Molecular consequence: missense variant.
Genome position (GRCh38, 1-based): chr18:55,228,895, G>T on the plus strand (C>A on the coding strand, the complement: TCF4 is on the minus strand). VCF-style: chr18-55228895-G-T. GRCh37 (hg19) VCF-style: chr18-52896126-G-T.
Other names: c.1606C>A, p.Leu536Ile (NM_001306208.1); c.1828C>A, p.Leu610Ile (NM_001330604.3, NM_001369569.1, NM_001369570.1); c.1441C>A, p.Leu481Ile (NM_001330605.3, NM_001348213.2); c.1705C>A, p.Leu569Ile (NM_001348211.2); c.1429C>A, p.Leu477Ile (NM_001348212.2, NM_001243233.2); c.1336C>A, p.Leu446Ile (NM_001348214.2); c.1183C>A, p.Leu395Ile (NM_001348215.2); c.1351C>A, p.Leu451Ile (NM_001348216.2, NM_001243234.2); and 14 more; short protein forms L611I, L395I, L536I, L582I, L446I, L451I, L477I, L569I.
Identifiers: ClinVar variation 468953 (VCV000468953.8), dbSNP rs1555710107, ClinGen allele CA402528425.